The following is an entry in ClinVar:

NM_003998.4(NFKB1):c.909dup (p.Thr304fs)

Gene: NFKB1 (nuclear factor kappa B subunit 1; plus strand). Cytogenetic location: 4q24.
Variant type: Duplication.
Coding change: c.909dup on transcript NM_003998.4 (MANE Select); coding-DNA position 909, one base duplicated (C; older notation c.909dupC).
Protein change: p.Thr304fs; shifts the reading frame from threonine 304.
Molecular consequence: frameshift variant.
Genome position (GRCh38, 1-based): chr4:102,582,939, C duplicated; the last of 5 consecutive C bases (chr4:102,582,935-102,582,939); duplicating any one gives the same sequence. VCF-style (leftmost placement, unchanged base first): chr4-102582934-T-TC. GRCh37 (hg19) VCF-style: chr4-103504091-T-TC.
Other names: p.Thr304Hisfs*5; c.906dup, p.Thr303fs (NM_001165412.2, NM_001319226.2, NM_001382627.1); c.909dup, p.Thr304fs (NM_001382625.1, NM_001382626.1); c.867dup, p.Thr290fs (NM_001382628.1); c.909dup (NM_003998.3); short protein forms T303fs, T290fs, T304fs.
Identifiers: ClinVar variation 4716999 (VCV004716999.2).
Genomic context (GRCh38, chr4:102,582,934, plus strand): 5'-CAGATTCGATTTTATGAAGAGGAAGAAAATGGTGGAGTCTGGGAAGGATTTGGAGATTTT[T>TC]CCCCCACAGATGTTCATAGACAAGTAAGTGATTTATTATTATTATTAATCCTTATTATTT-3'

ClinVar aggregate classification (germline): Pathogenic. Review status: criteria provided, single submitter (1 of 4 stars). 2 submissions from 2 submitters: Pathogenic (1). 1 of the submissions does not count toward it. Last evaluated 2025-06-04.

Conditions:
Immunodeficiency, common variable, 12 (CVID12). Also called: NFKB1 DEFICIENCY; IMMUNODEFICIENCY, COMMON VARIABLE, 12, WITH AUTOIMMUNITY. Identifiers: Orphanet 1572, Orphanet 696874, MedGen C4225277, MONDO:0014697, OMIM 616576.

Submissions (2):

Labcorp Genetics (formerly Invitae), Labcorp
Classification: Pathogenic. Last evaluated: 2025-06-04. Review status: criteria provided, single submitter. Criteria: Invitae Variant Classification Sherloc (09022015). Collection method: clinical testing. Allele origin: germline.
Comment: This sequence change creates a premature translational stop signal (p.Thr304Hisfs*5) in the NFKB1 gene. It is expected to result in an absent or disrupted protein product. Loss-of-function variants in NFKB1 are known to be pathogenic (PMID: 26279205, 29477724). This variant is not present in population databases (gnomAD no frequency). This variant has not been reported in the literature in individuals affected with NFKB1-related conditions. For these reasons, this variant has been classified as Pathogenic.

Neil Romberg Laboratory, Children's Hospital of Philadelphia
Classification: Pathogenic for Immunodeficiency, common variable, 12. Last evaluated: 2026-09-22. Review status: no assertion criteria provided. Collection method: clinical testing. Allele origin: germline. Affected: yes. Not counted in ClinVar's aggregate classification.
Comment: This sequence change creates a premature translational stop signal (p.Thr304Hisfs*5) in the NFKB1 gene. It is expected to result in an absent or disrupted protein product. Loss-of-function variants in NFKB1 are known to be pathogenic.This variant is not present in population databases (gnomAD no frequency).

Literature cited by the submitters: PubMed 26279205 (cited by Labcorp Genetics (formerly Invitae), Labcorp and Neil Romberg Laboratory, Children's Hospital of Philadelphia); PubMed 29477724 (cited by Labcorp Genetics (formerly Invitae), Labcorp and Neil Romberg Laboratory, Children's Hospital of Philadelphia); PubMed 32980423 (cited by Neil Romberg Laboratory, Children's Hospital of Philadelphia); PubMed 32278790 (cited by Neil Romberg Laboratory, Children's Hospital of Philadelphia).